The following is an entry in ClinVar:

ClinVar aggregate classification (germline): Uncertain significance (1 of 4 stars; one submission).

Conditions:
Hereditary spastic paraplegia 28. Also called: Spastic paraplegia 28, autosomal recessive. Identifiers: Orphanet 101008, MedGen C1836295, MONDO:0012256, OMIM 609340.

Allele frequency attached by ClinVar (database versions not stated): TOPMed below 0.00001; gnomAD 0.00001; gnomAD exomes 0.00001; ExAC 0.00002.
gnomAD v4.1: 6 of 1,613,824 alleles (0.00037%); highest among the groups gnomAD compares: East Asian, 0.0045%; no homozygotes.

Submission:

Labcorp Genetics (formerly Invitae), Labcorp
Classification: Uncertain significance for Hereditary spastic paraplegia 28. Last evaluated: 2022-03-12. Review status: criteria provided, single submitter. Criteria: Invitae Variant Classification Sherloc (09022015). Collection method: clinical testing. Allele origin: germline.
Comment: In summary, the available evidence is currently insufficient to determine the role of this variant in disease. Therefore, it has been classified as a Variant of Uncertain Significance. This sequence change replaces arginine, which is basic and polar, with cysteine, which is neutral and slightly polar, at codon 739 of the DDHD1 protein (p.Arg739Cys). This variant is present in population databases (rs764869346, gnomAD 0.01%). This variant has not been reported in the literature in individuals affected with DDHD1-related conditions. Algorithms developed to predict the effect of missense changes on protein structure and function are either unavailable or do not agree on the potential impact of this missense change (SIFT: "Deleterious"; PolyPhen-2: "Benign"; Align-GVGD: "Class C0").

NM_001160148.2(DDHD1):c.2194C>T (p.Arg732Cys)

Gene: DDHD1 (DDHD domain containing 1; minus strand). Cytogenetic location: 14q22.1.
Variant type: single nucleotide variant.
Coding change: c.2194C>T on transcript NM_001160148.2 (MANE Select); coding-DNA position 2194, C replaced by T.
Protein change: p.Arg732Cys; replaces arginine 732 with cysteine.
Molecular consequence: missense variant.
Genome position (GRCh38, 1-based): chr14:53,055,711, G>A on the plus strand (C>T on the coding strand, the complement: DDHD1 is on the minus strand). VCF-style: chr14-53055711-G-A. GRCh37 (hg19) VCF-style: chr14-53522429-G-A.
Other names: c.2215C>T, p.Arg739Cys (NM_001160147.2); c.2194C>T, p.Arg732Cys (NM_030637.3); short protein forms R732C, R739C.
Identifiers: ClinVar variation 2150975 (VCV002150975.4), dbSNP rs764869346, ClinGen allele CA7191037.
Genomic context (GRCh38, chr14:53,055,711, plus strand): 5'-AGAAATTACCTAATATGCTTGCTTTGCCTATATTTGTTATAGATTCTCCATAGTGTCGGC[G>A]GGACAAAACTGGTGAGGTCACAGGGCTTGGTATGGTTGAAATGCCTTCATTCTCTGAAAC-3'
Protein context (NP_001153620.1, residues 722-742): PSPVTSPVLS[Arg732Cys]RHYGESITNI